The following is an entry in ClinVar:

ClinVar aggregate classification (germline): Uncertain significance (1 of 4 stars; one submission).

Conditions:
Early Myoclonic Encephalopathy. Identifiers: MedGen C0270855.

Submission:

Labcorp Genetics (formerly Invitae), Labcorp
Classification: Uncertain significance for Early Myoclonic Encephalopathy. Last evaluated: 2024-01-15. Review status: criteria provided, single submitter. Criteria: Invitae Variant Classification Sherloc (09022015). Collection method: clinical testing. Allele origin: germline.
Comment: This sequence change replaces leucine, which is neutral and non-polar, with phenylalanine, which is neutral and non-polar, at codon 64 of the JMJD1C protein (p.Leu64Phe). This variant is not present in population databases (gnomAD no frequency). This variant has not been reported in the literature in individuals affected with JMJD1C-related conditions. ClinVar contains an entry for this variant (Variation ID: 1939604). An algorithm developed to predict the effect of missense changes on protein structure and function (PolyPhen-2) suggests that this variant is likely to be disruptive. In summary, the available evidence is currently insufficient to determine the role of this variant in disease. Therefore, it has been classified as a Variant of Uncertain Significance.

NM_032776.3(JMJD1C):c.190C>T (p.Leu64Phe)

Gene: JMJD1C (jumonji domain containing 1C; minus strand). Cytogenetic location: 10q21.3.
Variant type: single nucleotide variant.
Coding change: c.190C>T on transcript NM_032776.3 (MANE Select); coding-DNA position 190, C replaced by T.
Protein change: p.Leu64Phe; replaces leucine 64 with phenylalanine.
Molecular consequence: missense variant. On other transcripts: 5 prime UTR variant (2).
Genome position (GRCh38, 1-based): chr10:63,380,461, G>A on the plus strand (C>T on the coding strand, the complement: JMJD1C is on the minus strand). VCF-style: chr10-63380461-G-A. GRCh37 (hg19) VCF-style: chr10-65140221-G-A.
Other names: c.-357C>T (NM_001318154.2); c.190C>T, p.Leu64Phe (NM_001322252.2); c.-362C>T (NM_001322258.2); short protein forms L64F.
Identifiers: ClinVar variation 1939604 (VCV001939604.5), dbSNP rs775306924, ClinGen allele CA377086931.